The following is an entry in ClinVar:

NM_001939.3(DRP2):c.118-3C>T

Gene: DRP2 (dystrophin related protein 2; plus strand). Cytogenetic location: Xq22.1.
Variant type: single nucleotide variant.
Coding change: c.118-3C>T on transcript NM_001939.3 (MANE Select); 3 bases into the intron before coding-DNA position 118, C replaced by T.
Molecular consequence: intron variant.
Genome position (GRCh38, 1-based): chrX:101,235,857, C>T. VCF-style: chrX-101235857-C-T. GRCh37 (hg19) VCF-style: chrX-100490846-C-T.
Other names: c.-117-3C>T (NM_001171184.2).
Identifiers: ClinVar variation 3611331 (VCV003611331.2).

ClinVar aggregate classification (germline): Uncertain significance (1 of 4 stars; one submission).

gnomAD v4.1: 37 of 1,200,296 alleles (0.0031%); highest among the groups gnomAD compares: Non-Finnish European, 0.004%; no homozygotes.

Submission:

Labcorp Genetics (formerly Invitae), Labcorp
Classification: Uncertain significance. Last evaluated: 2024-08-07. Review status: criteria provided, single submitter. Criteria: Invitae Variant Classification Sherloc (09022015). Collection method: clinical testing. Allele origin: germline.
Comment: This sequence change falls in intron 3 of the DRP2 gene. It does not directly change the encoded amino acid sequence of the DRP2 protein. It affects a nucleotide within the consensus splice site. The frequency data for this variant in the population databases is considered unreliable, as metrics indicate poor data quality at this position in the gnomAD database. This variant has not been reported in the literature in individuals affected with DRP2-related conditions. Variants that disrupt the consensus splice site are a relatively common cause of aberrant splicing (PMID: 17576681, 9536098). Algorithms developed to predict the effect of sequence changes on RNA splicing suggest that this variant is not likely to affect RNA splicing. In summary, the available evidence is currently insufficient to determine the role of this variant in disease. Therefore, it has been classified as a Variant of Uncertain Significance.

Literature cited by the submitters: PubMed 17576681; PubMed 9536098.